The following is an entry in ClinVar:

ClinVar aggregate classification (germline): Pathogenic (1 of 4 stars; one submission).

Submission:

Quest Diagnostics Nichols Institute San Juan Capistrano
Classification: Pathogenic. Last evaluated: 2023-09-08. Review status: criteria provided, single submitter. Criteria: ACMG/ClinGen CNV Guidelines, 2019. Collection method: clinical testing. Allele origin: unknown.
Comment: This loss involves an intragenic portion (NM_004006.3; exon 50) of DMD (OMIM 300377), which is predicted to be a frameshift deletion. Intragenic deletions and duplications, as well as pathogenic sequence variants of DMD, are associated with X-linked recessive Duchenne muscular dystrophy (DMD; OMIM 310200). Specifically, out-of-frame deletions of exon 50 of DMD have been reported in numerous individuals with this disorder (Malhorta 2011, Skuk 2004, Tay 2006). A small percentage of females (2.5%-19%) are manifesting carriers (Ishizaki 2018). There are no similar copy number losses of this region in the general populations of the Database of Genomic Variants. Thus, this CNV is interpreted as pathogenic. References: Ishizaki et al., Neuromuscul Disord. 2018 Jul;28(7):572-581. PMID: 29801751; Malhotra et al., Ann Indian Acad Neurol. 2011 Jan;14(1):47-9. PMID: 21655206; Skuk et al., Mol Ther. 2004 Mar;9(3):475-82. PMID: 15038390; Tay et al., J Child Neurol. 2006 Feb;21(2):150-5. PMID: 16566881

GRCh37/hg19 Xp21.1(chrX:31795364-31844706)x1

Gene: DMD (dystrophin; minus strand). Cytogenetic location: Xp21.1.
Variant type: copy number loss.
Change: copy number 1 of chrX:31,795,364-31,844,706 (49.3 kb, GRCh37 coordinates, 1-based), cytogenetic band Xp21.1.
Identifiers: ClinVar variation 3391951 (VCV003391951.1).